The following is an entry in ClinVar:

ClinVar aggregate classification (germline): Conflicting classifications of pathogenicity. Review status: criteria provided, conflicting classifications (1 of 4 stars). 3 submissions from 3 submitters: Uncertain significance (2); Likely benign (1). Last evaluated 2025-07-24.

Conditions:
Saldino-Mainzer syndrome (SRTD9). Also called: CONORENAL SYNDROME; short-rib thoracic dysplasia 9 with or without polydactyly; SHORT-RIB THORACIC DYSPLASIA 9 WITHOUT POLYDACTYLY; Renal dysplasia, retinal pigmentary dystrophy, cerebellar ataxia and skeletal dysplasia. Identifiers: Orphanet 140969, MedGen C1849437, MONDO:0009964, OMIM 266920.
Retinitis pigmentosa 80 (RP80). Identifiers: MedGen C4540439, MONDO:0054708, OMIM 617781.

Allele frequency attached by ClinVar (database versions not stated): ExAC 0.00003; gnomAD exomes 0.00003; TOPMed 0.00005; ESP Exome Variant Server 0.00015.
gnomAD v4.1: 52 of 1,603,222 alleles (0.0032%); highest among the groups gnomAD compares: Non-Finnish European, 0.0042%; no homozygotes.

Submissions (3):

Labcorp Genetics (formerly Invitae), Labcorp
Classification: Uncertain significance for Saldino-Mainzer syndrome. Last evaluated: 2025-07-24. Review status: criteria provided, single submitter. Criteria: Invitae Variant Classification Sherloc (09022015). Collection method: clinical testing. Allele origin: germline.
Comment: This sequence change falls in intron 23 of the IFT140 gene. It does not directly change the encoded amino acid sequence of the IFT140 protein. It affects a nucleotide within the consensus splice site. This variant is present in population databases (rs373868663, gnomAD 0.007%). This variant has not been reported in the literature in individuals affected with IFT140-related conditions. ClinVar contains an entry for this variant (Variation ID: 2079989). Variants that disrupt the consensus splice site are a relatively common cause of aberrant splicing (PMID: 17576681, 9536098). Algorithms developed to predict the effect of sequence changes on RNA splicing suggest that this variant is not likely to affect RNA splicing. In summary, the available evidence is currently insufficient to determine the role of this variant in disease. Therefore, it has been classified as a Variant of Uncertain Significance.

Fulgent Genetics
Classification: Uncertain significance for Saldino-Mainzer syndrome; Retinitis pigmentosa 80. Last evaluated: 2024-06-13. Review status: criteria provided, single submitter. Criteria: ACMG Guidelines, 2015. Collection method: clinical testing. Allele origin: germline.

Blueprint Genetics
Classification: Likely benign. Last evaluated: 2024-04-19. Review status: criteria provided, single submitter. Criteria: ACMG Guidelines, 2015. Collection method: clinical testing. Allele origin: germline.

Literature cited by the submitters: PubMed 17576681 (cited by Labcorp Genetics (formerly Invitae), Labcorp); PubMed 9536098 (cited by Labcorp Genetics (formerly Invitae), Labcorp).

NM_014714.4(IFT140):c.2997+6G>T

Genes: IFT140 (intraflagellar transport 140; minus strand), LOC126862260 (CDK7 strongly-dependent group 2 enhancer GRCh37_chr16:1574508-1575707; plus strand). Cytogenetic location: 16p13.3.
Variant type: single nucleotide variant.
Coding change: c.2997+6G>T on transcript NM_014714.4 (MANE Select); 6 bases into the intron after coding-DNA position 2997, G replaced by T.
Molecular consequence: intron variant.
Genome position (GRCh38, 1-based): chr16:1,524,778, C>A on the plus strand (G>T on the coding strand, the complement: IFT140 is on the minus strand). VCF-style: chr16-1524778-C-A. GRCh37 (hg19) VCF-style: chr16-1574779-C-A.
Identifiers: ClinVar variation 2079989 (VCV002079989.4), dbSNP rs373868663, ClinGen allele CA7813395.